The following is an entry in ClinVar:

ClinVar aggregate classification (germline): Uncertain significance (1 of 4 stars; one submission).

Conditions:
Joubert syndrome. Also called: JOUBERT-BOLTSHAUSER SYNDROME; Familial aplasia of the vermis. Identifiers: Orphanet 475, MedGen C5979921, MONDO:0018772.
Meckel-Gruber syndrome. Also called: DYSENCEPHALIA SPLANCHNOCYSTICA; GRUBER SYNDROME; Dysencephalia splachnocystica. Identifiers: Orphanet 564, MedGen C0265215, MONDO:0018921.

Allele frequency attached by ClinVar (database versions not stated): gnomAD exomes below 0.00001.
gnomAD v4.1: 7 of 1,599,150 alleles (0.00044%); highest among the groups gnomAD compares: Non-Finnish European, 0.00043%; no homozygotes.

Submission:

Labcorp Genetics (formerly Invitae), Labcorp
Classification: Uncertain significance for Joubert syndrome; Meckel-Gruber syndrome. Last evaluated: 2023-12-30. Review status: criteria provided, single submitter. Criteria: Invitae Variant Classification Sherloc (09022015). Collection method: clinical testing. Allele origin: germline.
Comment: This sequence change replaces proline, which is neutral and non-polar, with alanine, which is neutral and non-polar, at codon 186 of the CC2D2A protein (p.Pro186Ala). This variant is not present in population databases (gnomAD no frequency). This variant has not been reported in the literature in individuals affected with CC2D2A-related conditions. Advanced modeling of protein sequence and biophysical properties (such as structural, functional, and spatial information, amino acid conservation, physicochemical variation, residue mobility, and thermodynamic stability) performed at Invitae indicates that this missense variant is not expected to disrupt CC2D2A protein function with a negative predictive value of 95%. In summary, the available evidence is currently insufficient to determine the role of this variant in disease. Therefore, it has been classified as a Variant of Uncertain Significance.

NM_001378615.1(CC2D2A):c.556C>G (p.Pro186Ala)

Genes: CC2D2A (coiled-coil and C2 domain containing 2A; plus strand), FBXL5 (F-box and leucine rich repeat protein 5; minus strand). Cytogenetic location: 4p15.32.
Variant type: single nucleotide variant.
Coding change: c.556C>G on transcript NM_001378615.1 (MANE Select); coding-DNA position 556, C replaced by G.
Protein change: p.Pro186Ala; replaces proline 186 with alanine.
Molecular consequence: missense variant.
Genome position (GRCh38, 1-based): chr4:15,511,262, C>G. VCF-style: chr4-15511262-C-G. GRCh37 (hg19) VCF-style: chr4-15512885-C-G.
Other names: c.556C>G, p.Pro186Ala (NM_001080522.2); c.409C>G, p.Pro137Ala (NM_001378617.1); short protein forms P137A, P186A.
Identifiers: ClinVar variation 2938669 (VCV002938669.1), dbSNP rs1450223928, ClinGen allele CA356408744.